The following is an entry in ClinVar:

NM_000431.1(MVK):c.-325A>T

Gene: MVK (mevalonate kinase; plus strand). Cytogenetic location: 12q24.11.
Variant type: single nucleotide variant.
Coding change: c.-325A>T on transcript NM_000431.1; 325 bases upstream of the start codon, A replaced by T.
Genome position (GRCh38, 1-based): chr12:109,573,563, A>T. VCF-style: chr12-109573563-A-T. GRCh37 (hg19) VCF-style: chr12-110011368-A-T.
Identifiers: ClinVar variation 97893 (VCV000097893.3), dbSNP rs560451620, ClinGen allele CA150357.

ClinVar aggregate classification (germline): not provided (0 of 4 stars; one submission).

Conditions:
Hyperimmunoglobulin D with periodic fever (HIDS). Also called: Hyperimmunoglobulinemia D with periodic fever; Hyperimmunoglobulinemia D; HYPERIMMUNOGLOBULINEMIA D AND PERIODIC FEVER SYNDROME. Identifiers: Orphanet 343, MedGen C0398691, MONDO:0009849, OMIM 260920.

Submission:

Unité médicale des maladies autoinflammatoires, CHRU Montpellier
No classification provided. Condition: Hyperimmunoglobulin D with periodic fever. Review status: no classification provided. Collection method: not provided. Allele origin: unknown.
Comment: also involved in OMIM 25117